The following is an entry in ClinVar:

ClinVar aggregate classification (germline): Uncertain significance (1 of 4 stars; one submission).

Conditions:
PURA-related severe neonatal hypotonia-seizures-encephalopathy syndrome (NEDRIHF). Also called: PURA-Related Neurodevelopmental Disorders; NEURODEVELOPMENTAL DISORDER WITH NEONATAL RESPIRATORY INSUFFICIENCY, HYPOTONIA, AND FEEDING DIFFICULTIES. Identifiers: Orphanet 438213, Orphanet 438216, MedGen C4015357, MONDO:1060108, OMIM 616158, MONDO:0018580.

Submission:

Labcorp Genetics (formerly Invitae), Labcorp
Classification: Uncertain significance for PURA-related severe neonatal hypotonia-seizures-encephalopathy syndrome. Last evaluated: 2025-03-19. Review status: criteria provided, single submitter. Criteria: Invitae Variant Classification Sherloc (09022015). Collection method: clinical testing. Allele origin: germline.
Comment: This sequence change affects codon 246 of the PURA mRNA. It is a 'silent' change, meaning that it does not change the encoded amino acid sequence of the PURA protein. This variant is not present in population databases (gnomAD no frequency). This variant has not been reported in the literature in individuals affected with PURA-related conditions. In summary, the available evidence is currently insufficient to determine the role of this variant in disease. Therefore, it has been classified as a Variant of Uncertain Significance.

NM_005859.5(PURA):c.738G>C (p.Val246=)

Gene: PURA (purine rich element binding protein A; plus strand). Cytogenetic location: 5q31.3.
Variant type: single nucleotide variant.
Coding change: c.738G>C on transcript NM_005859.5 (MANE Select); coding-DNA position 738, G replaced by C.
Protein change: p.Val246=; no amino-acid change (valine 246 retained).
Molecular consequence: synonymous variant.
Genome position (GRCh38, 1-based): chr5:140,114,919, G>C. VCF-style: chr5-140114919-G-C. GRCh37 (hg19) VCF-style: chr5-139494504-G-C.
Identifiers: ClinVar variation 4715462 (VCV004715462.1).